The following is an entry in ClinVar:

NM_000038.6(APC):c.5199del (p.Ser1737fs)

Gene: APC (APC regulator of Wnt signaling pathway; plus strand). Cytogenetic location: 5q22.2.
Variant type: Deletion.
Coding change: c.5199del on transcript NM_000038.6 (MANE Select); coding-DNA position 5199, one base deleted (C; older notation c.5199delC).
Protein change: p.Ser1737fs; shifts the reading frame from serine 1737.
Molecular consequence: frameshift variant. On other transcripts: non-coding transcript variant (2).
Genome position (GRCh38, 1-based): chr5:112,840,793, C deleted; the last of 3 consecutive C bases (chr5:112,840,791-112,840,793); deleting any one gives the same sequence. VCF-style (leftmost placement, unchanged base first): chr5-112840790-GC-G. GRCh37 (hg19) VCF-style: chr5-112176487-GC-G.
Other names: c.5199del, p.Ser1737fs (NM_001127510.3, NM_001354895.2, NM_001407450.1); c.5145del, p.Ser1719fs (NM_001127511.3); c.5253del, p.Ser1755fs (NM_001354896.2, NM_001407447.1, NM_001407448.1 and 1 more transcripts); c.5229del, p.Ser1747fs (NM_001354897.2); c.5124del, p.Ser1712fs (NM_001354898.2); c.5115del, p.Ser1709fs (NM_001354899.2); c.5076del, p.Ser1696fs (NM_001354900.2); c.5022del, p.Ser1678fs (NM_001354901.2, NM_001407453.1); and 11 more; short protein forms S1608fs, S1730fs, S1737fs, S1755fs, S1765fs, S1353fs, S1654fs, S1712fs.
Identifiers: ClinVar variation 4586031 (VCV004586031.1).

ClinVar aggregate classification (germline): Likely pathogenic (1 of 4 stars; one submission).

Conditions:
Hereditary cancer-predisposing syndrome. Also called: Neoplastic Syndromes, Hereditary; Tumor predisposition; Hereditary Cancer Syndrome; Hereditary neoplastic syndrome. Identifiers: Orphanet 140162, MedGen C0027672, MeSH D009386, MONDO:0015356.

Submission:

Ambry Genetics
Classification: Likely pathogenic for Hereditary cancer-predisposing syndrome. Last evaluated: 2025-11-04. Review status: criteria provided, single submitter. Criteria: Ambry Variant Classification Scheme 2023. Collection method: clinical testing. Allele origin: germline.
Comment: The c.5199delC variant, located in coding exon 15 of the APC gene, results from a deletion of one nucleotide at nucleotide position 5199, causing a translational frameshift with a predicted alternate stop codon (p.S1737Vfs*7). This alteration occurs at the 3' terminus of the gene, is not expected to trigger nonsense-mediated mRNA decay, and impacts the last 39% of the protein. However, premature stop codons are typically deleterious in nature and the impacted region is critical for protein function (Ambry internal data). This variant is considered to be rare based on population cohorts in the Genome Aggregation Database (gnomAD). Based on the majority of available evidence to date, this variant is likely to be pathogenic.